The following is an entry in ClinVar:

ClinVar aggregate classification (germline): Likely pathogenic (1 of 4 stars; one submission).

Conditions:
Familial hypokalemia-hypomagnesemia (GTLMNS). Also called: POTASSIUM AND MAGNESIUM DEPLETION; HYPOMAGNESEMIA-HYPOKALEMIA, PRIMARY RENOTUBULAR, WITH HYPOCALCIURIA; gitelman syndrome. Identifiers: Orphanet 358, MedGen C0268450, MONDO:0009904, OMIM 263800.

Submission:

Natera, Inc.
Classification: Likely pathogenic for Gitelman syndrome. Last evaluated: 2025-09-10. Review status: criteria provided, single submitter. Criteria: Natera Variant Classification Schema (03/2026). Collection method: clinical testing. Allele origin: germline.
Comment: The c.1100del variant in SLC12A3 is a frameshift variant predicted to shift the reading frame beginning at codon 367 and leads to a stop codon 3 codons downstream. This variant is expected to result in nonsense mediated decay, truncation, or a dysfunctional protein product. This variant is rare in the general population with a frequency below the threshold expected for the associated phenotype(s). Given the available evidence, this variant is classified as Likely Pathogenic.

NM_001126108.2(SLC12A3):c.1100del (p.Pro367fs)

Gene: SLC12A3 (solute carrier family 12 member 3; plus strand). Cytogenetic location: 16q13.
Variant type: Deletion.
Coding change: c.1100del on transcript NM_001126108.2 (MANE Select); coding-DNA position 1100, one base deleted (C; older notation c.1100delC).
Protein change: p.Pro367fs; shifts the reading frame from proline 367.
Molecular consequence: frameshift variant.
Genome position (GRCh38, 1-based): chr16:56,878,081, C deleted; the last of 3 consecutive C bases (chr16:56,878,079-56,878,081); deleting any one gives the same sequence. VCF-style (leftmost placement, unchanged base first): chr16-56878078-AC-A. GRCh37 (hg19) VCF-style: chr16-56911990-AC-A.
Other names: c.1100del, p.Pro367fs (NM_000339.3); c.1097del, p.Pro366fs (NM_001126107.2, NM_001410896.1); short protein forms P366fs, P367fs.
Identifiers: ClinVar variation 4818183 (VCV004818183.1).